The following is an entry in ClinVar:

ClinVar aggregate classification (germline): Likely benign (0 of 4 stars; one submission).

Conditions:
CWF19L1-related disorder. Also called: CWF19L1-related condition.

gnomAD v4.1: 69 of 1,614,120 alleles (0.0043%); highest among the groups gnomAD compares: East Asian, 0.14%; 1 homozygote.

Submission:

PreventionGenetics, part of Exact Sciences
Classification: Likely benign for CWF19L1-related condition. Last evaluated: 2024-07-08. Review status: no assertion criteria provided. Collection method: clinical testing. Allele origin: germline.
Comment: This variant is classified as likely benign based on ACMG/AMP sequence variant interpretation guidelines (Richards et al. 2015 PMID: 25741868, with internal and published modifications).

NM_018294.6(CWF19L1):c.23+10C>G

Gene: CWF19L1 (CWF19 like cell cycle control factor 1; minus strand). Cytogenetic location: 10q24.31.
Variant type: single nucleotide variant.
Coding change: c.23+10C>G on transcript NM_018294.6 (MANE Select); 10 bases into the intron after coding-DNA position 23, C replaced by G.
Molecular consequence: intron variant. On other transcripts: 5 prime UTR variant (1).
Genome position (GRCh38, 1-based): chr10:100,267,561, G>C on the plus strand (C>G on the coding strand, the complement: CWF19L1 is on the minus strand). VCF-style: chr10-100267561-G-C. GRCh37 (hg19) VCF-style: chr10-102027318-G-C.
Other names: c.-424C>G (NM_001303405.2); c.-123+10C>G (NM_001303406.2); c.-482+10C>G (NM_001303407.2); c.23+10C>G (NM_001303404.2).
Identifiers: ClinVar variation 3352139 (VCV003352139.1).